The following is an entry in ClinVar:

NM_207037.2(TCF12):c.1188+1G>T

Gene: TCF12 (transcription factor 12; plus strand). Cytogenetic location: 15q21.3.
Variant type: single nucleotide variant.
Coding change: c.1188+1G>T on transcript NM_207037.2 (MANE Select); the canonical splice donor site of the intron after coding-DNA position 1188, G replaced by T.
Molecular consequence: splice donor variant.
Genome position (GRCh38, 1-based): chr15:57,251,424, G>T. VCF-style: chr15-57251424-G-T. GRCh37 (hg19) VCF-style: chr15-57543622-G-T.
Other names: c.1188+1G>T (NM_001322151.2, NM_001322159.3, NM_001322157.3 and 7 more transcripts); c.1014+1G>T (NM_001322156.2, NM_001322158.2); c.531+1G>T (NM_001322154.2); c.1224+1G>T (NM_001322164.2); c.678+1G>T (NM_001306219.3, NM_207040.2); c.480+1G>T (NM_001306220.3).
Identifiers: ClinVar variation 4293594 (VCV004293594.3).

ClinVar aggregate classification (germline): Pathogenic/Likely pathogenic. Review status: criteria provided, multiple submitters, no conflicts (2 of 4 stars). 3 submissions from 3 submitters: Pathogenic (1); Likely pathogenic (2). Last evaluated 2026-06-12.

Conditions:
TCF12-related craniosynostosis. Also called: Craniosynostosis 3. Identifiers: Orphanet 35098, Orphanet 35099, Orphanet 672979, MedGen C3715051, MONDO:0014128, OMIM 615314.
TCF12-related disorder. Also called: TCF12-related condition.
Common craniosynostosis syndromes.

Submissions (3):

Genetics Laboratory, Great Ormond Street Hospital NHS Foundation Trust, North Thames Genomic Laboratory Hub
Classification: Pathogenic for Common craniosynostosis syndromes. Last evaluated: 2026-06-12. Review status: criteria provided, single submitter. Criteria: ACGS Best Practice Guidelines for Variant Classification in Rare Disease 2024 v1.2. Collection method: clinical testing. Allele origin: germline. Affected: yes.
Comment: PM2_moderate, PVS1_very-strong

3billion
Classification: Likely pathogenic for TCF12-related craniosynostosis. Last evaluated: 2024-06-26. Review status: criteria provided, single submitter. Criteria: ACMG Guidelines, 2015. Collection method: clinical testing. Allele origin: germline. Affected: yes.
Comment: The variant is not observed in the gnomAD v4.0.0 dataset. Predicted Consequence/Location: Canonical splice site: predicted to alter splicing and result in a loss or disruption of normal protein function. Multiple pathogenic loss-of-function variants are reported downstream of the variant. In silico tools predict the variant to alter splicing and produce an abnormal transcript [SpliceAI: 0.98 (spliceogenicity >=0.2, non-spliceogenicity <0.1)]. Therefore, this variant is classified as Likely pathogenic according to the recommendation of ACMG/AMP guideline.

Blueprint Genetics
Classification: Likely pathogenic for TCF12-related disorders. Last evaluated: 2023-07-13. Review status: criteria provided, single submitter. Criteria: ACMG Guidelines, 2015. Collection method: clinical testing. Allele origin: germline. Affected: yes. Observed: 1 variant allele.